The following is an entry in ClinVar:

ClinVar aggregate classification (germline): Uncertain significance (1 of 4 stars; one submission).

Conditions:
Mitochondrial complex II deficiency, nuclear type 1. Also called: SUCCINATE CoQ REDUCTASE DEFICIENCY. Identifiers: Orphanet 3208, MedGen C5700310, MONDO:0100294, OMIM 252011.
Pheochromocytoma/paraganglioma syndrome 5. Also called: Paragangliomas 5; SDHA-Related Hereditary Paraganglioma-Pheochromocytoma Syndrome. Identifiers: Orphanet 29072, MedGen C3279992, MONDO:0013602, OMIM 614165.

Allele frequency attached by ClinVar (database versions not stated): gnomAD exomes below 0.00001.
gnomAD v4.1: 1 of 1,611,876 alleles (0.000062%); highest among the groups gnomAD compares: Non-Finnish European, 0.000085%; no homozygotes.

Submission:

Labcorp Genetics (formerly Invitae), Labcorp
Classification: Uncertain significance for Pheochromocytoma/paraganglioma syndrome 5; Mitochondrial complex II deficiency, nuclear type 1. Last evaluated: 2023-01-28. Review status: criteria provided, single submitter. Criteria: Invitae Variant Classification Sherloc (09022015). Collection method: clinical testing. Allele origin: germline.
Comment: This sequence change replaces methionine, which is neutral and non-polar, with isoleucine, which is neutral and non-polar, at codon 519 of the SDHA protein (p.Met519Ile). In summary, the available evidence is currently insufficient to determine the role of this variant in disease. Therefore, it has been classified as a Variant of Uncertain Significance. Advanced modeling of protein sequence and biophysical properties (such as structural, functional, and spatial information, amino acid conservation, physicochemical variation, residue mobility, and thermodynamic stability) has been performed at Invitae for this missense variant, however the output from this modeling did not meet the statistical confidence thresholds required to predict the impact of this variant on SDHA protein function. This variant has not been reported in the literature in individuals affected with SDHA-related conditions. This variant is not present in population databases (gnomAD no frequency).

NM_004168.4(SDHA):c.1557G>A (p.Met519Ile)

Gene: SDHA (succinate dehydrogenase complex flavoprotein subunit A; plus strand). Cytogenetic location: 5p15.33.
Variant type: single nucleotide variant.
Coding change: c.1557G>A on transcript NM_004168.4 (MANE Select); coding-DNA position 1557, G replaced by A.
Protein change: p.Met519Ile; replaces methionine 519 with isoleucine.
Molecular consequence: missense variant. On other transcripts: intron variant (1).
Genome position (GRCh38, 1-based): chr5:250,997, G>A. VCF-style: chr5-250997-G-A. GRCh37 (hg19) VCF-style: chr5-251112-G-A.
Other names: c.1413G>A, p.Met471Ile (NM_001294332.2); c.1552-3396G>A (NM_001330758.2); short protein forms M471I, M519I.
Identifiers: ClinVar variation 2943697 (VCV002943697.3), dbSNP rs2126631954, ClinGen allele CA358998414.